The following is an entry in ClinVar:

ClinVar aggregate classification (germline): Uncertain significance (1 of 4 stars; one submission).

gnomAD v4.1: 3 of 1,614,044 alleles (0.00019%); highest among the groups gnomAD compares: Non-Finnish European, 0.00025%; no homozygotes.

Submission:

Women's Health and Genetics/Laboratory Corporation of America, LabCorp
Classification: Uncertain significance. Last evaluated: 2024-11-08. Review status: criteria provided, single submitter. Criteria: LabCorp Variant Classification Summary - May 2015. Collection method: clinical testing. Allele origin: germline.
Comment: Variant summary: SEC23B c.122T>C (p.Leu41Pro) results in a non-conservative amino acid change in the encoded protein sequence. Four of five in-silico tools predict a damaging effect of the variant on protein function. The variant allele was found at a frequency of 4e-06 in 251494 control chromosomes. The available data on variant occurrences in the general population are insufficient to allow any conclusion about variant significance. c.122T>C has been reported in the literature in the heterozygous state in at leaste one individual affected with Congenital dyserythropoietic anemia, type II, but a second allele wasn't identified (Bianchi_2016). These report(s) do not provide unequivocal conclusions about association of the variant with Congenital dyserythropoietic anemia, type II. To our knowledge, no experimental evidence demonstrating an impact on protein function has been reported. The following publication have been ascertained in the context of this evaluation (PMID: 27471141). No submitters have cited clinical-significance assessments for this variant to ClinVar. Based on the evidence outlined above, the variant was classified as uncertain significance.

Literature cited by the submitters: PubMed 27471141.

NM_006363.6(SEC23B):c.122T>C (p.Leu41Pro)

Gene: SEC23B (SEC23 homolog B, COPII coat complex component; plus strand). Cytogenetic location: 20p11.23.
Variant type: single nucleotide variant.
Coding change: c.122T>C on transcript NM_006363.6 (MANE Select); coding-DNA position 122, T replaced by C.
Protein change: p.Leu41Pro; replaces leucine 41 with proline.
Molecular consequence: missense variant.
Genome position (GRCh38, 1-based): chr20:18,510,957, T>C. VCF-style: chr20-18510957-T-C. GRCh37 (hg19) VCF-style: chr20-18491601-T-C.
Other names: c.122T>C, p.Leu41Pro (NM_001172745.3, NM_001172746.3, NM_032985.6 and 1 more transcripts); short protein forms L41P.
Identifiers: ClinVar variation 3629747 (VCV003629747.1).